The following is an entry in ClinVar:

ClinVar aggregate classification (germline): Uncertain significance (1 of 4 stars; one submission).

Conditions:
Inborn genetic diseases. Identifiers: MedGen C0950123, MeSH D030342.

Submission:

Ambry Genetics
Classification: Uncertain significance for Inborn genetic diseases. Last evaluated: 2025-06-01. Review status: criteria provided, single submitter. Criteria: Ambry Variant Classification Scheme 2023. Collection method: clinical testing. Allele origin: germline.
Comment: The p.P6A variant (also known as c.16C>G), located in coding exon 1 of the ERCC6L2 gene, results from a C to G substitution at nucleotide position 16. The proline at codon 6 is replaced by alanine, an amino acid with highly similar properties. This amino acid position is conserved. In addition, the in silico prediction for this alteration is inconclusive. Based on the available evidence, the clinical significance of this variant remains unclear.

NM_020207.7(ERCC6L2):c.16C>G (p.Pro6Ala)

Gene: ERCC6L2 (ERCC excision repair 6 like 2; plus strand). Cytogenetic location: 9q22.32.
Variant type: single nucleotide variant.
Coding change: c.16C>G on transcript NM_020207.7 (MANE Select); coding-DNA position 16, C replaced by G.
Protein change: p.Pro6Ala; replaces proline 6 with alanine.
Molecular consequence: missense variant. On other transcripts: non-coding transcript variant (1).
Genome position (GRCh38, 1-based): chr9:95,876,054, C>G. VCF-style: chr9-95876054-C-G. GRCh37 (hg19) VCF-style: chr9-98638336-C-G.
Other names: c.16C>G, p.Pro6Ala (NM_001010895.4, NM_001375291.1, NM_001375292.1 and 2 more transcripts); short protein forms P6A.
Identifiers: ClinVar variation 4019391 (VCV004019391.1).
Genomic context (GRCh38, chr9:95,876,054, plus strand): 5'-TCCGGGTGTTACATGCAGCCGGGCTCGGCCCCTCCCCCTGGCCGGATGGATCCGTCGGCG[C>G]CACAGCCCCGCGCGGAAACCTCAGGCAAAGGTACCAGCTCCGCGCTCGCCCCTTACGCAG-3'
Protein context (NP_064592.3, residues 1-16): MDPSA[Pro6Ala]QPRAETSGKD